The following is an entry in ClinVar:

NM_001145252.3(CFP):c.959C>T (p.Ser320Leu)

Gene: CFP (complement factor properdin; minus strand). Cytogenetic location: Xp11.23.
Variant type: single nucleotide variant.
Coding change: c.959C>T on transcript NM_001145252.3 (MANE Select); coding-DNA position 959, C replaced by T.
Protein change: p.Ser320Leu; replaces serine 320 with leucine.
Molecular consequence: missense variant.
Genome position (GRCh38, 1-based): chrX:47,626,501, G>A on the plus strand (C>T on the coding strand, the complement: CFP is on the minus strand). VCF-style: chrX-47626501-G-A. GRCh37 (hg19) VCF-style: chrX-47485900-G-A.
Other names: c.959C>T, p.Ser320Leu (NM_002621.2); short protein forms S320L.
Identifiers: ClinVar variation 2003779 (VCV002003779.4), dbSNP rs2519716455, ClinGen allele CA412835849.

ClinVar aggregate classification (germline): Uncertain significance (1 of 4 stars; one submission).

Submission:

Labcorp Genetics (formerly Invitae), Labcorp
Classification: Uncertain significance. Last evaluated: 2022-06-09. Review status: criteria provided, single submitter. Criteria: Invitae Variant Classification Sherloc (09022015). Collection method: clinical testing. Allele origin: germline.
Comment: This sequence change replaces serine, which is neutral and polar, with leucine, which is neutral and non-polar, at codon 320 of the CFP protein (p.Ser320Leu). This variant is not present in population databases (gnomAD no frequency). Algorithms developed to predict the effect of missense changes on protein structure and function output the following: SIFT: "Tolerated"; PolyPhen-2: "Benign"; Align-GVGD: "Class C0". The leucine amino acid residue is found in multiple mammalian species, which suggests that this missense change does not adversely affect protein function. In summary, the available evidence is currently insufficient to determine the role of this variant in disease. Therefore, it has been classified as a Variant of Uncertain Significance. This variant has not been reported in the literature in individuals affected with CFP-related conditions.